The following is an entry in ClinVar:

NM_015021.3(ZNF292):c.4911A>G (p.Pro1637=)

Gene: ZNF292 (zinc finger protein 292; plus strand). Cytogenetic location: 6q14.3.
Variant type: single nucleotide variant.
Coding change: c.4911A>G on transcript NM_015021.3 (MANE Select); coding-DNA position 4911, A replaced by G.
Protein change: p.Pro1637=; no amino-acid change (proline 1637 retained).
Molecular consequence: synonymous variant.
Genome position (GRCh38, 1-based): chr6:87,258,540, A>G. VCF-style: chr6-87258540-A-G. GRCh37 (hg19) VCF-style: chr6-87968258-A-G.
Other names: c.4911A>G (NM_015021.1); c.4491A>G, p.Pro1497= (NM_001351444.2).
Identifiers: ClinVar variation 2656748 (VCV002656748.26), dbSNP rs148546767, ClinGen allele CA3914389.

ClinVar aggregate classification (germline): Likely benign. Review status: criteria provided, multiple submitters, no conflicts (2 of 4 stars). 3 submissions from 3 submitters: Likely benign (2). 1 of the submissions does not count toward it. Last evaluated 2026-04-01.

Conditions:
ZNF292-related disorder. Also called: ZNF292-related condition.

Allele frequency attached by ClinVar (database versions not stated): 1000 Genomes Project 0.00060; ExAC 0.00083; TOPMed 0.00090; ESP Exome Variant Server 0.00091; gnomAD 0.00094; gnomAD exomes 0.00103; 1000 Genomes Project 30x 0.00109.
gnomAD v4.1: 1,650 of 1,613,658 alleles (0.1%); highest among the groups gnomAD compares: Admixed American, 0.19%; 3 homozygotes.

Submissions (3):

CeGaT Center for Human Genetics Tuebingen
Classification: Likely benign. Last evaluated: 2026-04-01. Review status: criteria provided, single submitter. Criteria: CeGaT Center For Human Genetics Tuebingen Variant Classification Criteria Version 2. Collection method: clinical testing. Allele origin: germline. Affected: yes. Observed: 7 variant alleles.
Comment: ZNF292: BP4, BP7, BS1

Blueprint Genetics
Classification: Likely benign. Last evaluated: 2024-09-16. Review status: criteria provided, single submitter. Criteria: ACMG Guidelines, 2015. Collection method: clinical testing. Allele origin: germline.

PreventionGenetics, part of Exact Sciences
Classification: Likely benign for ZNF292-related condition. Last evaluated: 2023-12-13. Review status: no assertion criteria provided. Collection method: clinical testing. Allele origin: germline. Not counted in ClinVar's aggregate classification.
Comment: This variant is classified as likely benign based on ACMG/AMP sequence variant interpretation guidelines (Richards et al. 2015 PMID: 25741868, with internal and published modifications).